The following is an entry in ClinVar:

ClinVar aggregate classification (germline): Pathogenic (1 of 4 stars; one submission).

Conditions:
Juvenile polyposis syndrome (JPS). Identifiers: Orphanet 2929, MedGen C0345893, MONDO:0017380, OMIM 174900.

Submission:

Labcorp Genetics (formerly Invitae), Labcorp
Classification: Pathogenic for Juvenile polyposis syndrome. Last evaluated: 2020-09-24. Review status: criteria provided, single submitter. Criteria: Invitae Variant Classification Sherloc (09022015). Collection method: clinical testing. Allele origin: germline.
Comment: For these reasons, this variant has been classified as Pathogenic. This variant has been reported in an individual affected with juvenile polyposis syndrome (PMID: 18178612, 26572829). This variant is also known as c.1586_1587dupA (p.L529LfsX9) in the literature. ClinVar contains an entry for this variant (Variation ID: 24867). This variant is not present in population databases (ExAC no frequency). This sequence change results in a frameshift in the SMAD4 gene (p.His530Thrfs*47). While this is not anticipated to result in nonsense mediated decay, it is expected to disrupt the last 23 amino acids of the SMAD4 protein and extend the protein by an additional 24 amino acids.

Literature cited by the submitters: PubMed 18178612; PubMed 26572829.

NM_005359.6(SMAD4):c.1587dup (p.His530fs)

Gene: SMAD4 (SMAD family member 4; plus strand). Cytogenetic location: 18q21.2.
Variant type: Duplication.
Coding change: c.1587dup on transcript NM_005359.6 (MANE Select); coding-DNA position 1587, one base duplicated (A; older notation c.1587dupA).
Protein change: p.His530fs; shifts the reading frame from histidine 530.
Molecular consequence: frameshift variant.
Genome position (GRCh38, 1-based): chr18:51,078,395, A duplicated. VCF-style (leftmost placement, unchanged base first): chr18-51078394-T-TA. GRCh37 (hg19) VCF-style: chr18-48604764-T-TA.
Other names: short protein forms H530fs.
Identifiers: ClinVar variation 24867 (VCV000024867.10), dbSNP rs377767376, ClinGen allele CA259264.